The following is an entry in ClinVar:

NM_001698.3(AUH):c.385A>G (p.Ile129Val)

Gene: AUH (AU RNA binding methylglutaconyl-CoA hydratase; minus strand). Cytogenetic location: 9q22.31.
Variant type: single nucleotide variant.
Coding change: c.385A>G on transcript NM_001698.3 (MANE Select); coding-DNA position 385, A replaced by G.
Protein change: p.Ile129Val; replaces isoleucine 129 with valine.
Molecular consequence: missense variant.
Genome position (GRCh38, 1-based): chr9:91,355,916, T>C on the plus strand (A>G on the coding strand, the complement: AUH is on the minus strand). VCF-style: chr9-91355916-T-C. GRCh37 (hg19) VCF-style: chr9-94118198-T-C.
Other names: c.385A>G (NM_001698.2); c.385A>G, p.Ile129Val (NM_001306190.2); c.58A>G, p.Ile20Val (NM_001351431.2, NM_001351432.2, NM_001351433.2); short protein forms I129V, I20V.
Identifiers: ClinVar variation 1490500 (VCV001490500.4), dbSNP rs1423043030, ClinGen allele CA373835892.

ClinVar aggregate classification (germline): Conflicting classifications of pathogenicity. Review status: criteria provided, conflicting classifications (1 of 4 stars). 2 submissions from 2 submitters: Uncertain significance (1); Likely benign (1). Last evaluated 2025-04-24.

Conditions:
3-methylglutaconic aciduria type 1 (MGCA1). Identifiers: Orphanet 67046, MedGen C0342727, MONDO:0009610, OMIM 250950.
Inborn genetic diseases. Identifiers: MedGen C0950123, MeSH D030342.

gnomAD v4.1: 3 of 1,613,426 alleles (0.00019%); highest among the groups gnomAD compares: Admixed American, 0.0033%; no homozygotes.

Submissions (2):

Ambry Genetics
Classification: Likely benign for Inborn genetic diseases. Last evaluated: 2025-04-24. Review status: criteria provided, single submitter. Criteria: Ambry Variant Classification Scheme 2023. Collection method: clinical testing. Allele origin: germline.

Labcorp Genetics (formerly Invitae), Labcorp
Classification: Uncertain significance for 3-methylglutaconic aciduria type 1. Last evaluated: 2022-09-07. Review status: criteria provided, single submitter. Criteria: Invitae Variant Classification Sherloc (09022015). Collection method: clinical testing. Allele origin: germline.
Comment: This sequence change replaces isoleucine, which is neutral and non-polar, with valine, which is neutral and non-polar, at codon 129 of the AUH protein (p.Ile129Val). This variant is present in population databases (no rsID available, gnomAD 0.006%). This variant has not been reported in the literature in individuals affected with AUH-related conditions. ClinVar contains an entry for this variant (Variation ID: 1490500). Algorithms developed to predict the effect of missense changes on protein structure and function output the following: SIFT: "Tolerated"; PolyPhen-2: "Benign"; Align-GVGD: "Class C0". The valine amino acid residue is found in multiple mammalian species, which suggests that this missense change does not adversely affect protein function. In summary, the available evidence is currently insufficient to determine the role of this variant in disease. Therefore, it has been classified as a Variant of Uncertain Significance.